The following is an entry in ClinVar:

NM_021831.6(AGBL5):c.1536-8T>G

Gene: AGBL5 (AGBL carboxypeptidase 5; plus strand). Cytogenetic location: 2p23.3.
Variant type: single nucleotide variant.
Coding change: c.1536-8T>G on transcript NM_021831.6 (MANE Select); 8 bases into the intron before coding-DNA position 1536, T replaced by G.
Molecular consequence: intron variant.
Genome position (GRCh38, 1-based): chr2:27,057,295, T>G. VCF-style: chr2-27057295-T-G. GRCh37 (hg19) VCF-style: chr2-27280163-T-G.
Other names: c.1536-8T>G (NM_001035507.3).
Identifiers: ClinVar variation 2040440 (VCV002040440.4), dbSNP rs1175241518, ClinGen allele CA531422350.

ClinVar aggregate classification (germline): Uncertain significance (1 of 4 stars; one submission).

Submission:

Labcorp Genetics (formerly Invitae), Labcorp
Classification: Uncertain significance. Last evaluated: 2024-10-29. Review status: criteria provided, single submitter. Criteria: Invitae Variant Classification Sherloc (09022015). Collection method: clinical testing. Allele origin: germline.
Comment: This sequence change falls in intron 8 of the AGBL5 gene. It does not directly change the encoded amino acid sequence of the AGBL5 protein. This variant is present in population databases (no rsID available, gnomAD 0.0009%). This variant has not been reported in the literature in individuals affected with AGBL5-related conditions. ClinVar contains an entry for this variant (Variation ID: 2040440). Algorithms developed to predict the effect of sequence changes on RNA splicing suggest that this variant may disrupt the consensus splice site. In summary, the available evidence is currently insufficient to determine the role of this variant in disease. Therefore, it has been classified as a Variant of Uncertain Significance.